The following is an entry in ClinVar:

ClinVar aggregate classification (germline): Pathogenic/Likely pathogenic. Review status: criteria provided, multiple submitters, no conflicts (2 of 4 stars). 2 submissions from 2 submitters: Pathogenic (1); Likely pathogenic (1). Last evaluated 2024-02-16.

Conditions:
NPRL3-related disorder. Also called: NPRL3-related condition.
Epilepsy, familial focal, with variable foci 3 (FFEVF3). Identifiers: MedGen C4310708, MONDO:0014925, OMIM 617118.

Submissions (2):

Labcorp Genetics (formerly Invitae), Labcorp
Classification: Pathogenic for Epilepsy, familial focal, with variable foci 3. Last evaluated: 2024-02-16. Review status: criteria provided, single submitter. Criteria: Invitae Variant Classification Sherloc (09022015). Collection method: clinical testing. Allele origin: germline.
Comment: This sequence change creates a premature translational stop signal (p.Gln386*) in the NPRL3 gene. It is expected to result in an absent or disrupted protein product. Loss-of-function variants in NPRL3 are known to be pathogenic (PMID: 26285051, 26505888). This variant is not present in population databases (gnomAD no frequency). This variant has not been reported in the literature in individuals affected with NPRL3-related conditions. ClinVar contains an entry for this variant (Variation ID: 958271). Algorithms developed to predict the effect of sequence changes on RNA splicing suggest that this variant may disrupt the consensus splice site. For these reasons, this variant has been classified as Pathogenic.

Blueprint Genetics
Classification: Likely pathogenic for NPRL3-related disorders. Last evaluated: 2022-01-19. Review status: criteria provided, single submitter. Criteria: ACMG Guidelines, 2015. Collection method: clinical testing. Allele origin: germline. Affected: yes. Observed: 1 variant allele.

Literature cited by the submitters: PubMed 26285051 (cited by Labcorp Genetics (formerly Invitae), Labcorp); PubMed 26505888 (cited by Labcorp Genetics (formerly Invitae), Labcorp).

NM_001077350.3(NPRL3):c.1156C>T (p.Gln386Ter)

Genes: HBA-LCR (alpha-globin locus control region; plus strand), NPRL3 (NPR3 like, GATOR1 complex subunit; minus strand). Cytogenetic location: 16p13.3.
Variant type: single nucleotide variant.
Coding change: c.1156C>T on transcript NM_001077350.3 (MANE Select); coding-DNA position 1156, C replaced by T.
Protein change: p.Gln386Ter; replaces glutamine 386 with a stop codon.
Molecular consequence: nonsense.
Genome position (GRCh38, 1-based): chr16:92,601, G>A on the plus strand (C>T on the coding strand, the complement: NPRL3 is on the minus strand). VCF-style: chr16-92601-G-A. GRCh37 (hg19) VCF-style: chr16-142599-G-A.
Other names: c.619C>T, p.Gln207Ter (NM_001039476.3); c.922C>T, p.Gln308Ter (NM_001243247.2); c.1081C>T, p.Gln361Ter (NM_001243248.2, NM_001243249.2); short protein forms Q207*, Q308*, Q361*, Q386*.
Identifiers: ClinVar variation 958271 (VCV000958271.8), dbSNP rs1371859768, ClinGen allele CA394052837.